The following is an entry in ClinVar:

ClinVar aggregate classification (germline): Uncertain significance (1 of 4 stars; one submission).

Conditions:
Nephronophthisis 16 (NPHP16). Identifiers: Orphanet 655, MedGen C3809320, MONDO:0014158, OMIM 615382.

gnomAD v4.1: 43 of 1,607,264 alleles (0.0027%); highest among the groups gnomAD compares: Non-Finnish European, 0.0026%; no homozygotes.

Submission:

Labcorp Genetics (formerly Invitae), Labcorp
Classification: Uncertain significance for Nephronophthisis 16. Last evaluated: 2025-11-04. Review status: criteria provided, single submitter. Criteria: Invitae Variant Classification Sherloc (09022015). Collection method: clinical testing. Allele origin: germline.
Comment: This sequence change replaces glycine, which is neutral and non-polar, with valine, which is neutral and non-polar, at codon 248 of the ANKS6 protein (p.Gly248Val). This variant is present in population databases (rs375860547, gnomAD 0.01%). This variant has not been reported in the literature in individuals affected with ANKS6-related conditions. ClinVar contains an entry for this variant (Variation ID: 1404952). An algorithm developed to predict the effect of missense changes on protein structure and function (PolyPhen-2) suggests that this variant is likely to be disruptive. In summary, the available evidence is currently insufficient to determine the role of this variant in disease. Therefore, it has been classified as a Variant of Uncertain Significance.

NM_173551.5(ANKS6):c.743G>T (p.Gly248Val)

Gene: ANKS6 (ankyrin repeat and sterile alpha motif domain containing 6; minus strand). Cytogenetic location: 9q22.33.
Variant type: single nucleotide variant.
Coding change: c.743G>T on transcript NM_173551.5 (MANE Select); coding-DNA position 743, G replaced by T.
Protein change: p.Gly248Val; replaces glycine 248 with valine.
Molecular consequence: missense variant.
Genome position (GRCh38, 1-based): chr9:98,790,223, C>A on the plus strand (G>T on the coding strand, the complement: ANKS6 is on the minus strand). VCF-style: chr9-98790223-C-A. GRCh37 (hg19) VCF-style: chr9-101552505-C-A.
Other names: short protein forms G248V.
Identifiers: ClinVar variation 1404952 (VCV001404952.4), dbSNP rs375860547, ClinGen allele CA5153766.